The following is an entry in ClinVar:

NM_020884.7(MYH7B):c.5789G>A (p.Arg1930Gln)

Gene: MYH7B (myosin heavy chain 7B; plus strand). Cytogenetic location: 20q11.22.
Variant type: single nucleotide variant.
Coding change: c.5789G>A on transcript NM_020884.7 (MANE Select); coding-DNA position 5789, G replaced by A.
Protein change: p.Arg1930Gln; replaces arginine 1930 with glutamine.
Molecular consequence: missense variant.
Genome position (GRCh38, 1-based): chr20:35,002,060, G>A. VCF-style: chr20-35002060-G-A. GRCh37 (hg19) VCF-style: chr20-33589863-G-A.
Other names: short protein forms R1930Q.
Identifiers: ClinVar variation 2367649 (VCV002367649.6), dbSNP rs779519306, ClinGen allele CA9828746.

ClinVar aggregate classification (germline): Uncertain significance. Review status: criteria provided, multiple submitters, no conflicts (2 of 4 stars). 2 submissions from 2 submitters: Uncertain significance (2). Last evaluated 2025-09-02.

Allele frequency attached by ClinVar (database versions not stated): ExAC 0.00003; gnomAD 0.00005; TOPMed 0.00006.
gnomAD v4.1: 83 of 1,613,886 alleles (0.0051%); highest among the groups gnomAD compares: East Asian, 0.02%; no homozygotes.

Submissions (2):

Ambry Genetics
Classification: Uncertain significance. Last evaluated: 2025-09-02. Review status: criteria provided, single submitter. Criteria: Ambry Variant Classification Scheme 2023. Collection method: clinical testing. Allele origin: germline.

Labcorp Genetics (formerly Invitae), Labcorp
Classification: Uncertain significance. Last evaluated: 2022-12-08. Review status: criteria provided, single submitter. Criteria: Invitae Variant Classification Sherloc (09022015). Collection method: clinical testing. Allele origin: germline.
Comment: This sequence change replaces arginine, which is basic and polar, with glutamine, which is neutral and polar, at codon 1972 of the MYH7B protein (p.Arg1972Gln). This variant is present in population databases (rs779519306, gnomAD 0.004%). This variant has not been reported in the literature in individuals affected with MYH7B-related conditions. Advanced modeling of protein sequence and biophysical properties (such as structural, functional, and spatial information, amino acid conservation, physicochemical variation, residue mobility, and thermodynamic stability) performed at Invitae indicates that this missense variant is not expected to disrupt MYH7B protein function. In summary, the available evidence is currently insufficient to determine the role of this variant in disease. Therefore, it has been classified as a Variant of Uncertain Significance.